The following is an entry in ClinVar:

ClinVar aggregate classification (germline): Pathogenic. Review status: reviewed by expert panel (3 of 4 stars). 6 submissions from 6 submitters: Pathogenic (1). 5 of the submissions do not count toward it. Last evaluated 2016-09-08.

Conditions:
Hereditary breast ovarian cancer syndrome. Also called: Hereditary breast and ovarian cancer syndrome (HBOC); Breast and ovarian cancer; Hereditary breast and ovarian cancer syndrome; Hereditary breast and ovarian cancer; BRCA1- and BRCA2-Associated Hereditary Breast and Ovarian Cancer; Hereditary breast and/or ovarian cancer syndrome. Identifiers: Orphanet 145, MedGen C0677776, MeSH D061325, MONDO:0003582. Disease mechanism: loss of function.
Hereditary cancer-predisposing syndrome. Also called: Hereditary Cancer Syndrome; Neoplastic Syndromes, Hereditary; Hereditary neoplastic syndrome; Tumor predisposition. Identifiers: Orphanet 140162, MedGen C0027672, MeSH D009386, MONDO:0015356.
Breast-ovarian cancer, familial, susceptibility to, 1 (BROVCA1). Also called: BRCA1 Hereditary Breast and Ovarian Cancer; OVARIAN CANCER, SUSCEPTIBILITY TO. Identifiers: Orphanet 145, MedGen C2676676, MONDO:0011450, OMIM 604370. Disease mechanism: loss of function.

Submissions (6):

Evidence-based Network for the Interpretation of Germline Mutant Alleles (ENIGMA)
Classification: Pathogenic for Breast-ovarian cancer, familial, susceptibility to, 1. Last evaluated: 2016-09-08. Review status: reviewed by expert panel. Criteria: ENIGMA BRCA1/2 Classification Criteria (2015). Collection method: curation. Allele origin: germline.
Comment: Variant allele predicted to encode a truncated non-functional protein.

Women's Health and Genetics/Laboratory Corporation of America, LabCorp
Classification: Pathogenic for Hereditary breast ovarian cancer syndrome. Last evaluated: 2025-07-09. Review status: criteria provided, single submitter. Criteria: LabCorp Variant Classification Summary - May 2015. Collection method: clinical testing. Allele origin: germline. Not counted in ClinVar's aggregate classification.
Comment: Variant summary: BRCA1 c.5050_5051delAC (p.Thr1684TyrfsX10) results in a premature termination codon, predicted to cause a truncation of the encoded protein or absence of the protein due to nonsense mediated decay, which are commonly known mechanisms for disease. The variant was absent in 251378 control chromosomes. c.5050_5051delAC has been observed in individual(s) affected with Hereditary Breast And Ovarian Cancer Syndrome (Rebbeck_2018). These data indicate that the variant may be associated with disease.The following publication has been ascertained in the context of this evaluation (PMID: 29446198). ClinVar contains an entry for this variant (Variation ID: 252385). Based on the evidence outlined above, the variant was classified as pathogenic.

Ambry Genetics
Classification: Pathogenic for Hereditary cancer-predisposing syndrome. Last evaluated: 2025-05-28. Review status: criteria provided, single submitter. Criteria: Ambry Variant Classification Scheme 2023. Collection method: clinical testing. Allele origin: germline. Not counted in ClinVar's aggregate classification.
Comment: The c.5050_5051delAC pathogenic mutation, located in coding exon 15 of the BRCA1 gene, results from a deletion of two nucleotides at nucleotide positions 5050 to 5051, causing a translational frameshift with a predicted alternate stop codon (p.T1684Yfs*10). This alteration was identified in a large, worldwide study of BRCA1/2 mutation positive families (Rebbeck TR et al. Hum Mutat, 2018 05;39:593-620). In addition to the clinical data presented in the literature, this alteration is expected to result in loss of function by premature protein truncation or nonsense-mediated mRNA decay. As such, this alteration is interpreted as a disease-causing mutation.

Labcorp Genetics (formerly Invitae), Labcorp
Classification: Pathogenic for Hereditary breast ovarian cancer syndrome. Last evaluated: 2025-03-18. Review status: criteria provided, single submitter. Criteria: Invitae Variant Classification Sherloc (09022015). Collection method: clinical testing. Allele origin: germline. Not counted in ClinVar's aggregate classification.
Comment: This sequence change creates a premature translational stop signal (p.Thr1684Tyrfs*10) in the BRCA1 gene. It is expected to result in an absent or disrupted protein product. Loss-of-function variants in BRCA1 are known to be pathogenic (PMID: 20104584). This variant is not present in population databases (gnomAD no frequency). This premature translational stop signal has been observed in individual(s) with BRCA1-related conditions (PMID: 21520333). ClinVar contains an entry for this variant (Variation ID: 252385). RNA analysis performed to evaluate the impact of this premature translational stop signal on mRNA splicing indicates it does not significantly alter splicing (internal data). For these reasons, this variant has been classified as Pathogenic.

Quest Diagnostics Nichols Institute San Juan Capistrano
Classification: Likely pathogenic for Breast-ovarian cancer, familial, susceptibility to, 1. Last evaluated: 2016-03-05. Review status: criteria provided, single submitter. Criteria: Quest Diagnostics criteria. Collection method: clinical testing. Allele origin: germline. Inheritance: Autosomal dominant inheritance. Not counted in ClinVar's aggregate classification.

Consortium of Investigators of Modifiers of BRCA1/2 (CIMBA), c/o University of Cambridge
Classification: Pathogenic for Breast-ovarian cancer, familial, susceptibility to, 1. Last evaluated: 2015-10-02. Review status: criteria provided, single submitter. Criteria: CIMBA Mutation Classification guidelines May 2016. Collection method: clinical testing. Allele origin: germline. Not counted in ClinVar's aggregate classification.

Literature cited by the submitters: PubMed 29446198 (cited by Women's Health and Genetics/Laboratory Corporation of America, LabCorp and Ambry Genetics); PubMed 20104584 (cited by Labcorp Genetics (formerly Invitae), Labcorp); PubMed 21520333 (cited by Labcorp Genetics (formerly Invitae), Labcorp); PubMed 26295337 (cited by Quest Diagnostics Nichols Institute San Juan Capistrano).

NM_007294.4(BRCA1):c.5050_5051del (p.Thr1684fs)

Gene: BRCA1 (BRCA1 DNA repair associated; minus strand). Cytogenetic location: 17q21.31.
Variant type: Deletion.
Coding change: c.5050_5051del on transcript NM_007294.4 (MANE Select); coding-DNA positions 5050 to 5051, 2 bases deleted (AC; older notation c.5050_5051delAC).
Protein change: p.Thr1684fs; shifts the reading frame from threonine 1684.
Molecular consequence: frameshift variant. On other transcripts: non-coding transcript variant (1).
Genome position (GRCh38, 1-based): chr17:43,067,631-43,067,632, GT deleted on the plus strand (AC on the coding strand, the reverse complement: BRCA1 is on the minus strand). VCF-style (leftmost placement, unchanged base first): chr17-43067630-AGT-A. GRCh37 (hg19) VCF-style: chr17-41219647-AGT-A.
Other names: c.4903_4904delAC, p.Thr1635Tyrfs (NM_001407852.1, NM_001407853.1, NM_001407838.1 and 12 more transcripts); c.5050_5051delAC, p.Thr1684Tyrfs (NM_001407854.1, NM_001407593.1, NM_001407594.1 and 8 more transcripts); c.5047_5048delAC, p.Thr1683Tyrfs (NM_001407858.1, NM_001407859.1, NM_001407860.1 and 17 more transcripts); c.5044_5045delAC, p.Thr1682Tyrfs (NM_001407861.1, NM_001407627.1, NM_001407628.1 and 14 more transcripts); c.4849_4850delAC, p.Thr1617Tyrfs (NM_001407862.1); c.4924_4925delAC, p.Thr1642Tyrfs (NM_001407863.1, NM_001407939.1, NM_001407940.1 and 11 more transcripts); c.4843_4844delAC, p.Thr1615Tyrfs (NM_001407874.1, NM_001407875.1); c.4840_4841delAC, p.Thr1614Tyrfs (NM_001407879.1, NM_001407881.1, NM_001407882.1 and 5 more transcripts); and 74 more; short protein forms T1637fs, T1684fs, T1705fs, T580fs.
Identifiers: ClinVar variation 252385 (VCV000252385.19), dbSNP rs879255283, ClinGen allele CA10585908.
Genomic context (GRCh38, chr17:43,067,630, plus strand): 5'-AGCAGATGCAAGGTATTCTGTAAAGGTTCTTGGTATACCTGTTTTCATAACAACATGAGT[AGT>A]CTCTTCAGTAATTAGATTAGTTAAAGTGATGTGGTGTTTTCTGGCAAACTTGTACACGAG-3'